The following is an entry in ClinVar:

NM_000218.3(KCNQ1):c.20del (p.Pro7fs)

Gene: KCNQ1 (potassium voltage-gated channel subfamily Q member 1; plus strand). Cytogenetic location: 11p15.5.
Variant type: Deletion.
Coding change: c.20del on transcript NM_000218.3 (MANE Select); coding-DNA position 20, one base deleted (C; older notation c.20delC).
Protein change: p.Pro7fs; shifts the reading frame from proline 7.
Molecular consequence: frameshift variant.
Genome position (GRCh38, 1-based): chr11:2,445,118, C deleted; the last of 4 consecutive C bases (chr11:2,445,115-2,445,118); deleting any one gives the same sequence. VCF-style (leftmost placement, unchanged base first): chr11-2445114-TC-T. GRCh37 (hg19) VCF-style: chr11-2466344-TC-T.
Other names: c.20delC (NM_000218.2); short protein forms P7fs.
Identifiers: ClinVar variation 523933 (VCV000523933.2), dbSNP rs1554958030, ClinGen allele CA658797570.

ClinVar aggregate classification (germline): Likely pathogenic (1 of 4 stars; one submission).

Submission:

GeneDx
Classification: Likely pathogenic. Last evaluated: 2018-04-30. Review status: criteria provided, single submitter. Criteria: GeneDx Variant Classification (06012015). Collection method: clinical testing. Allele origin: germline. Affected: yes.
Comment: Although the c.20delC likely pathogenic variant in the KCNQ1 gene has not been reported to our knowledge, this variant causes a shift in reading frame starting at codon proline 7, changing it to an arginine, and creating a premature stop codon at position 79 of the new reading frame, denoted p.Pro7ArgfsX79. This likely pathogenic variant is expected to result in either an abnormal, truncated protein product or loss of protein from this allele through nonsense-mediated mRNA decay. Other frameshift variants in the KCNQ1 gene have been reported in Human Gene Mutation Database in association with LQTS and JLNS (Stenson et al., 2014), indicating that loss of function is a mechanism of disease for this gene. Furthermore, the c.20delC variant has not been observed in large population cohorts (Lek et al., 2016). In summary, c.20delC in the KCNQ1 gene is interpreted as a likely pathogenic variant.